The following is an entry in ClinVar:

ClinVar aggregate classification (germline): Pathogenic (1 of 4 stars; one submission).

Conditions:
Infantile liver failure syndrome 2 (ILFS2). Identifiers: MedGen C3809651, MONDO:0014659, OMIM 616483.

Submission:

The Laboratory of Genetics and Metabolism, Hunan Children’s Hospital
Classification: Pathogenic for Infantile liver failure syndrome 2. Last evaluated: 2021-03-06. Review status: criteria provided, single submitter. Criteria: ACMG Guidelines, 2015. Collection method: research. Allele origin: paternal. Affected: yes. Observed: 1 variant allele.
Comment: In compound heterozygosity following autosomal recessive inheritance.

Literature cited by the submitters: PubMed 34298581.

NM_015909.4(NBAS):c.4288C>T (p.Gln1430Ter)

Gene: NBAS (NBAS subunit of NRZ tethering complex; minus strand). Cytogenetic location: 2p24.3.
Variant type: single nucleotide variant.
Coding change: c.4288C>T on transcript NM_015909.4 (MANE Select); coding-DNA position 4288, C replaced by T.
Protein change: p.Gln1430Ter; replaces glutamine 1430 with a stop codon.
Molecular consequence: nonsense. On other transcripts: non-coding transcript variant (1).
Genome position (GRCh38, 1-based): chr2:15,330,657, G>A on the plus strand (C>T on the coding strand, the complement: NBAS is on the minus strand). VCF-style: chr2-15330657-G-A. GRCh37 (hg19) VCF-style: chr2-15470781-G-A.
Other names: short protein forms Q1430*.
Identifiers: ClinVar variation 1172780 (VCV001172780.2), dbSNP rs2148233321, ClinGen allele CA345881510.
Genomic context (GRCh38, chr2:15,330,657, plus strand): 5'-CCTGAAGGGGTCGAAGGTAAGTTAAAGACTTCTTCCACCACTGCCCATCACTGACGGCCT[G>A]CAGCACCGCTTTGGTGGTGGTTGTGGTGTTGGAAAGGACTTTCATGGTGGTAGCAGTGGT-3'